The following is an entry in ClinVar:

ClinVar aggregate classification (germline): Uncertain significance. Review status: criteria provided, multiple submitters, no conflicts (2 of 4 stars). 2 submissions from 2 submitters: Uncertain significance (2). Last evaluated 2025-10-06.

Conditions:
PIEZO1-related disorder. Also called: PIEZO1-related condition; PIEZO1-Related Disorders.

Submissions (2):

PreventionGenetics, part of Exact Sciences
Classification: Uncertain significance for PIEZO1-related condition. Last evaluated: 2025-10-06. Review status: criteria provided, single submitter. Criteria: ACMG Guidelines, 2015. Collection method: clinical testing. Allele origin: germline.
Comment: The PIEZO1 c.3796C>T variant is predicted to result in the amino acid substitution p.Pro1266Ser. To our knowledge, this variant has not been reported in the literature. This variant is reported in 0.0080% of alleles in individuals of East Asian descent in gnomAD. At this time, the clinical significance of this variant is uncertain due to the absence of conclusive functional and genetic evidence.

ARUP Laboratories, Molecular Genetics and Genomics, ARUP Laboratories
Classification: Uncertain significance. Last evaluated: 2024-01-12. Review status: criteria provided, single submitter. Criteria: ARUP Molecular Germline Variant Investigation Process 2024. Collection method: clinical testing. Allele origin: germline.

NM_001142864.4(PIEZO1):c.3796C>T (p.Pro1266Ser)

Gene: PIEZO1 (piezo type mechanosensitive ion channel component 1 (Er blood group); minus strand). Cytogenetic location: 16q24.3.
Variant type: single nucleotide variant.
Coding change: c.3796C>T on transcript NM_001142864.4 (MANE Select); coding-DNA position 3796, C replaced by T.
Protein change: p.Pro1266Ser; replaces proline 1266 with serine.
Molecular consequence: missense variant.
Genome position (GRCh38, 1-based): chr16:88,726,547, G>A on the plus strand (C>T on the coding strand, the complement: PIEZO1 is on the minus strand). VCF-style: chr16-88726547-G-A. GRCh37 (hg19) VCF-style: chr16-88792955-G-A.
Other names: c.3796C>T (NM_001142864.3); short protein forms P1266S.
Identifiers: ClinVar variation 3766981 (VCV003766981.2).